The following is an entry in ClinVar:

ClinVar aggregate classification (germline): Likely benign. Review status: criteria provided, multiple submitters, no conflicts (2 of 4 stars). 2 submissions from 2 submitters: Likely benign (2). Last evaluated 2023-03-03.

Conditions:
Muscular dystrophy-dystroglycanopathy (congenital with impaired intellectual development), type B, 1. Also called: Muscular dystrophy-dystroglycanopathy (congenital with intellectual disability), type B1; MUSCULAR DYSTROPHY, CONGENITAL, POMT1-RELATED. Identifiers: MedGen C5436962, MONDO:0013159, OMIM 613155.
Walker-Warburg congenital muscular dystrophy. Also called: Muscular dystrophy-dystroglycanopathy, type A; Walker-Warburg syndrome. Identifiers: Orphanet 899, MedGen C0265221, MONDO:0000171.
Autosomal recessive limb-girdle muscular dystrophy type 2K. Also called: MUSCULAR DYSTROPHY-DYSTROGLYCANOPATHY (LIMB-GIRDLE), TYPE C, 1; MUSCULAR DYSTROPHY, LIMB-GIRDLE, TYPE 2K. Identifiers: Orphanet 86812, MedGen C1836373, MONDO:0012248, OMIM 609308.

Allele frequency attached by ClinVar (database versions not stated): TOPMed 0.00001; ExAC 0.00001; gnomAD 0.00001.
gnomAD v4.1: 1 of 1,614,112 alleles (0.000062%); highest among the groups gnomAD compares: African/African-American, 0.0013%; no homozygotes.

Submissions (2):

Labcorp Genetics (formerly Invitae), Labcorp
Classification: Likely benign for Muscular dystrophy-dystroglycanopathy (congenital with impaired intellectual development), type B, 1; Walker-Warburg congenital muscular dystrophy; Autosomal recessive limb-girdle muscular dystrophy type 2K. Last evaluated: 2023-03-03. Review status: criteria provided, single submitter. Criteria: Invitae Variant Classification Sherloc (09022015). Collection method: clinical testing. Allele origin: germline.

GeneDx
Classification: Likely benign. Last evaluated: 2015-10-28. Review status: criteria provided, single submitter. Criteria: GeneDx Variant Classification (06012015). Collection method: clinical testing. Allele origin: germline. Affected: yes.
Comment: This variant is considered likely benign or benign based on one or more of the following criteria: it is a conservative change, it occurs at a poorly conserved position in the protein, it is predicted to be benign by multiple in silico algorithms, and/or has population frequency not consistent with disease.

NM_001077365.2(POMT1):c.606-9T>C

Gene: POMT1 (protein O-mannosyltransferase 1; plus strand). Cytogenetic location: 9q34.13.
Variant type: single nucleotide variant.
Coding change: c.606-9T>C on transcript NM_001077365.2 (MANE Select); 9 bases into the intron before coding-DNA position 606, T replaced by C.
Molecular consequence: intron variant.
Genome position (GRCh38, 1-based): chr9:131,509,894, T>C. VCF-style: chr9-131509894-T-C. GRCh37 (hg19) VCF-style: chr9-134385281-T-C.
Other names: c.444-9T>C (NM_001353198.2, NM_001353194.2, NM_001374689.1 and 3 more transcripts); c.606-9T>C (NM_001353193.2, NM_001136113.2, NM_007171.4 and 1 more transcripts); c.255-9T>C (NM_001374691.1, NM_001353195.2, NM_001374692.1 and 2 more transcripts); c.516-9T>C (NM_001353196.2); c.150-9T>C (NM_001374695.1, NM_001353200.2).
Identifiers: ClinVar variation 381304 (VCV000381304.4), dbSNP rs760178838, ClinGen allele CA5293352.